The following is an entry in ClinVar:

ClinVar aggregate classification (germline): Benign/Likely benign. Review status: criteria provided, multiple submitters, no conflicts (2 of 4 stars). 4 submissions from 4 submitters: Benign (1); Likely benign (2). 1 of the submissions does not count toward it. Last evaluated 2026-01-26.

Conditions:
CACNA1H-related disorder.
Hyperaldosteronism, familial, type IV (HALD4). Also called: FH IV; ALDOSTERONISM, PRIMARY, AND HYPERTENSION. Identifiers: Orphanet 642671, MedGen C4310756, MONDO:0014875, OMIM 617027.
Idiopathic generalized epilepsy. Also called: Generalised epilepsy; EIG. Identifiers: MedGen C0270850, MONDO:0005579, OMIM 600669.

Allele frequency attached by ClinVar (database versions not stated): 1000 Genomes Project 30x 0.00047; 1000 Genomes Project 0.00060; TOPMed 0.00124; gnomAD 0.00131 and 0.00136; gnomAD exomes 0.00151 and 0.00218; ESP Exome Variant Server 0.00205; ExAC 0.00208.
gnomAD v4.1: 3,179 of 1,544,136 alleles (0.21%); highest among the groups gnomAD compares: Non-Finnish European, 0.26%; 2 homozygotes.

Submissions (4):

Labcorp Genetics (formerly Invitae), Labcorp
Classification: Likely benign for Idiopathic generalized epilepsy; Hyperaldosteronism, familial, type IV. Last evaluated: 2026-01-26. Review status: criteria provided, single submitter. Criteria: Invitae Variant Classification Sherloc (09022015). Collection method: clinical testing. Allele origin: germline.

Blueprint Genetics
Classification: Likely benign. Last evaluated: 2024-11-06. Review status: criteria provided, single submitter. Criteria: ACMG Guidelines, 2015. Collection method: clinical testing. Allele origin: germline.

Athena Diagnostics
Classification: Benign. Last evaluated: 2018-04-20. Review status: criteria provided, single submitter. Criteria: Athena Diagnostics Criteria. Collection method: clinical testing. Allele origin: germline.

PreventionGenetics, part of Exact Sciences
Classification: Likely benign for CACNA1H-related condition. Last evaluated: 2022-02-21. Review status: no assertion criteria provided. Collection method: clinical testing. Allele origin: germline. Not counted in ClinVar's aggregate classification.
Comment: This variant is classified as likely benign based on ACMG/AMP sequence variant interpretation guidelines (Richards et al. 2015 PMID: 25741868, with internal and published modifications).

NM_021098.3(CACNA1H):c.6653G>A (p.Arg2218His)

Gene: CACNA1H (calcium voltage-gated channel subunit alpha1 H; plus strand). Cytogenetic location: 16p13.3.
Variant type: single nucleotide variant.
Coding change: c.6653G>A on transcript NM_021098.3 (MANE Select); coding-DNA position 6653, G replaced by A.
Protein change: p.Arg2218His; replaces arginine 2218 with histidine.
Molecular consequence: missense variant.
Genome position (GRCh38, 1-based): chr16:1,220,585, G>A. VCF-style: chr16-1220585-G-A. GRCh37 (hg19) VCF-style: chr16-1270585-G-A.
Other names: c.6635G>A, p.Arg2212His (NM_001005407.2); short protein forms R2218H, R2212H.
Identifiers: ClinVar variation 460174 (VCV000460174.16), dbSNP rs56885166, ClinGen allele CA7802452.
Genomic context (GRCh38, chr16:1,220,585, plus strand): 5'-CGGAGGACGAGGGCTCTGCGCGGCCCTCCGCGGCAGAGGGCGGCAGCACCACACTGAGGC[G>A]CAGGACCCCGTCCTGTGAGGCCACGCCTCACAGGGACTCCCTGGAGCCCACAGAGGGCTC-3'
Protein context (NP_066921.2, residues 2208-2228): AAEGGSTTLR[Arg2218His]RTPSCEATPH